The following is an entry in ClinVar:

NM_001042492.3(NF1):c.1358G>A (p.Gly453Asp)

Gene: NF1 (neurofibromin 1; plus strand). Cytogenetic location: 17q11.2.
Variant type: single nucleotide variant.
Coding change: c.1358G>A on transcript NM_001042492.3 (MANE Select); coding-DNA position 1358, G replaced by A.
Protein change: p.Gly453Asp; replaces glycine 453 with aspartic acid.
Molecular consequence: missense variant.
Genome position (GRCh38, 1-based): chr17:31,206,337, G>A. VCF-style: chr17-31206337-G-A. GRCh37 (hg19) VCF-style: chr17-29533355-G-A.
Other names: c.1358G>A, p.Gly453Asp (NM_000267.4, NM_001128147.3); short protein forms G453D.
Identifiers: ClinVar variation 1692319 (VCV001692319.4), dbSNP rs876660915, ClinGen allele CA398999687.

ClinVar aggregate classification (germline): Uncertain significance. Review status: criteria provided, multiple submitters, no conflicts (2 of 4 stars). 2 submissions from 2 submitters: Uncertain significance (2). Last evaluated 2023-07-28.

Conditions:
Hereditary cancer-predisposing syndrome. Also called: Neoplastic Syndromes, Hereditary; Hereditary Cancer Syndrome; Tumor predisposition; Hereditary neoplastic syndrome. Identifiers: Orphanet 140162, MedGen C0027672, MeSH D009386, MONDO:0015356.
Neurofibromatosis, type 1 (NF1). Also called: VON RECKLINGHAUSEN DISEASE; NEUROFIBROMATOSIS, TYPE I, SOMATIC; Peripheral type neurofibromatosis; Neurofibromatosis, type I. Identifiers: Orphanet 636, MedGen C0027831, MONDO:0018975, OMIM 162200. Disease mechanism: loss of function.

Allele frequency attached by ClinVar (database versions not stated): gnomAD exomes below 0.00001.
gnomAD v4.1: 4 of 1,613,804 alleles (0.00025%); highest among the groups gnomAD compares: Non-Finnish European, 0.00034%; no homozygotes.

Submissions (2):

Labcorp Genetics (formerly Invitae), Labcorp
Classification: Uncertain significance for Neurofibromatosis, type 1. Last evaluated: 2023-07-28. Review status: criteria provided, single submitter. Criteria: Invitae Variant Classification Sherloc (09022015). Collection method: clinical testing. Allele origin: germline.
Comment: In summary, the available evidence is currently insufficient to determine the role of this variant in disease. Therefore, it has been classified as a Variant of Uncertain Significance. Advanced modeling of protein sequence and biophysical properties (such as structural, functional, and spatial information, amino acid conservation, physicochemical variation, residue mobility, and thermodynamic stability) has been performed at Invitae for this missense variant, however the output from this modeling did not meet the statistical confidence thresholds required to predict the impact of this variant on NF1 protein function. ClinVar contains an entry for this variant (Variation ID: 1692319). This variant has not been reported in the literature in individuals affected with NF1-related conditions. This variant is not present in population databases (gnomAD no frequency). This sequence change replaces glycine, which is neutral and non-polar, with aspartic acid, which is acidic and polar, at codon 453 of the NF1 protein (p.Gly453Asp).

Sema4
Classification: Uncertain significance for Hereditary cancer-predisposing syndrome. Last evaluated: 2022-01-12. Review status: criteria provided, single submitter. Criteria: Sema4 Curation Guidelines. Collection method: curation. Allele origin: germline.
Comment: To the best of our knowledge, the NF1 c.1358G>A (p.G453D) variant has not been reported in individuals with NF1-related disease. It was not observed in the large and broad cohorts of the Genome Aggregation Database (PMID: 32461654). This variant has not been reported in ClinVar. Functional studies have not been performed, and in silico predictions of the variant's effect on protein function are inconclusive. The evidence is insufficient to meet ACMG/AMP criteria for classifying the variant as benign or pathogenic. Thus, the clinical significance of this variant is currently uncertain.